The following is an entry in ClinVar:

ClinVar aggregate classification (germline): Uncertain significance. Review status: criteria provided, single submitter (1 of 4 stars). 2 submissions from 2 submitters: Uncertain significance (1). 1 of the submissions does not count toward it. Last evaluated 2022-11-07.

Conditions:
PLXNA4-related disorder. Also called: PLXNA4-related condition.

Allele frequency attached by ClinVar (database versions not stated): gnomAD 0.00001; gnomAD exomes 0.00001.
gnomAD v4.1: 22 of 1,613,982 alleles (0.0014%); highest among the groups gnomAD compares: Admixed American, 0.0067%; no homozygotes.

Submissions (2):

Ambry Genetics
Classification: Uncertain significance. Last evaluated: 2022-11-07. Review status: criteria provided, single submitter. Criteria: Ambry Variant Classification Scheme 2023. Collection method: clinical testing. Allele origin: germline.

PreventionGenetics, part of Exact Sciences
Classification: Uncertain significance for PLXNA4-related condition. Last evaluated: 2024-07-02. Review status: no assertion criteria provided. Collection method: clinical testing. Allele origin: germline. Not counted in ClinVar's aggregate classification.
Comment: The PLXNA4 c.1630C>T variant is predicted to result in the amino acid substitution p.Arg544Trp. To our knowledge, this variant has not been reported in the literature. This variant is reported in 0.00085% of alleles in individuals of Latino descent in gnomAD. At this time, the clinical significance of this variant is uncertain due to the absence of conclusive functional and genetic evidence.

NM_020911.2(PLXNA4):c.1630C>T (p.Arg544Trp)

Gene: PLXNA4 (plexin A4; minus strand). Cytogenetic location: 7q32.3.
Variant type: single nucleotide variant.
Coding change: c.1630C>T on transcript NM_020911.2 (MANE Select); coding-DNA position 1630, C replaced by T.
Protein change: p.Arg544Trp; replaces arginine 544 with tryptophan.
Molecular consequence: missense variant.
Genome position (GRCh38, 1-based): chr7:132,228,444, G>A on the plus strand (C>T on the coding strand, the complement: PLXNA4 is on the minus strand). VCF-style: chr7-132228444-G-A. GRCh37 (hg19) VCF-style: chr7-131913203-G-A.
Other names: c.1630C>T, p.Arg544Trp (NM_001393897.1); short protein forms R544W.
Identifiers: ClinVar variation 2323268 (VCV002323268.3), dbSNP rs867001202, ClinGen allele CA166954296.